The following is an entry in ClinVar:

NM_001378454.1(ALMS1):c.3860C>T (p.Ser1287Leu)

Gene: ALMS1 (ALMS1 centrosome and basal body associated protein; plus strand). Cytogenetic location: 2p13.1.
Variant type: single nucleotide variant.
Coding change: c.3860C>T on transcript NM_001378454.1 (MANE Select); coding-DNA position 3860, C replaced by T.
Protein change: p.Ser1287Leu; replaces serine 1287 with leucine.
Molecular consequence: missense variant.
Genome position (GRCh38, 1-based): chr2:73,450,387, C>T. VCF-style: chr2-73450387-C-T. GRCh37 (hg19) VCF-style: chr2-73677514-C-T.
Other names: c.3863C>T, p.Ser1288Leu (NM_015120.4); short protein forms S1287L, S1288L.
Identifiers: ClinVar variation 1298812 (VCV001298812.42), dbSNP rs375231416, ClinGen allele CA1713601.
Genomic context (GRCh38, chr2:73,450,387, plus strand): 5'-TTGCCTCTGAACCAGTTGACCAGACAACTGGCACACCAGCTGTAACCTCTACTTCCTACT[C>T]ACAATATAGAGAGAAGCCCAGCATTTTCTACCAACAGTCGTTGCCAAGTAGTCATCTAAC-3'
Protein context (NP_001365383.1, residues 1277-1297): GTPAVTSTSY[Ser1287Leu]QYREKPSIFY

ClinVar aggregate classification (germline): Conflicting classifications of pathogenicity. Review status: criteria provided, conflicting classifications (1 of 4 stars). 5 submissions from 5 submitters: Uncertain significance (4); Likely benign (1). Last evaluated 2026-03-10.

Conditions:
Alstrom syndrome (ALMS). Identifiers: Orphanet 64, MedGen C0268425, MONDO:0008763, OMIM 203800.
Cardiovascular phenotype. Identifiers: MedGen CN230736.

Allele frequency attached by ClinVar (database versions not stated): ExAC 0.00002; gnomAD exomes 0.00002 and 0.00008; gnomAD 0.00004 and 0.00005; TOPMed 0.00005; ESP Exome Variant Server 0.00008.
gnomAD v4.1: 133 of 1,612,848 alleles (0.0082%); highest among the groups gnomAD compares: Non-Finnish European, 0.011%; no homozygotes.

Submissions (5):

Women's Health and Genetics/Laboratory Corporation of America, LabCorp
Classification: Uncertain significance. Last evaluated: 2026-03-10. Review status: criteria provided, single submitter. Criteria: LabCorp Variant Classification Summary - May 2015. Collection method: clinical testing. Allele origin: germline.

Ambry Genetics
Classification: Likely benign for Cardiovascular phenotype. Last evaluated: 2025-09-24. Review status: criteria provided, single submitter. Criteria: Ambry Variant Classification Scheme 2023. Collection method: clinical testing. Allele origin: germline.

GeneDx
Classification: Uncertain significance. Last evaluated: 2023-04-04. Review status: criteria provided, single submitter. Criteria: GeneDx Variant Classification Process June 2021. Collection method: clinical testing. Allele origin: germline. Affected: yes.
Comment: Not observed at significant frequency in large population cohorts (gnomAD); In silico analysis supports that this missense variant does not alter protein structure/function; Has not been previously published as pathogenic or benign to our knowledge

Labcorp Genetics (formerly Invitae), Labcorp
Classification: Uncertain significance for Alstrom syndrome. Last evaluated: 2022-07-08. Review status: criteria provided, single submitter. Criteria: Invitae Variant Classification Sherloc (09022015). Collection method: clinical testing. Allele origin: germline.
Comment: This sequence change replaces serine, which is neutral and polar, with leucine, which is neutral and non-polar, at codon 1288 of the ALMS1 protein (p.Ser1288Leu). This variant is present in population databases (rs375231416, gnomAD 0.004%). This variant has not been reported in the literature in individuals affected with ALMS1-related conditions. ClinVar contains an entry for this variant (Variation ID: 1298812). Experimental studies and prediction algorithms are not available or were not evaluated, and the functional significance of this variant is currently unknown. In summary, the available evidence is currently insufficient to determine the role of this variant in disease. Therefore, it has been classified as a Variant of Uncertain Significance.

CeGaT Center for Human Genetics Tuebingen
Classification: Uncertain significance. Last evaluated: 2021-07-01. Review status: criteria provided, single submitter. Criteria: CeGaT Center For Human Genetics Tuebingen Variant Classification Criteria Version 2. Collection method: clinical testing. Allele origin: germline. Affected: yes. Observed: 1 variant allele.